The following is an entry in ClinVar:

ClinVar aggregate classification (germline): Pathogenic. Review status: criteria provided, multiple submitters, no conflicts (2 of 4 stars). 2 submissions from 2 submitters: Pathogenic (2). Last evaluated 2025-12-02.

Conditions:
Monogenic hearing loss.

Allele frequency attached by ClinVar (database versions not stated): gnomAD 0.00001; gnomAD exomes 0.00001 and 0.00006.
gnomAD v4.1: 90 of 1,550,582 alleles (0.0058%); highest among the groups gnomAD compares: Non-Finnish European, 0.0076%; no homozygotes.

Submissions (2):

Genetics Laboratory, Great Ormond Street Hospital NHS Foundation Trust, North Thames Genomic Laboratory Hub
Classification: Pathogenic for Monogenic hearing loss. Last evaluated: 2025-12-02. Review status: criteria provided, single submitter. Criteria: ACGS Best Practice Guidelines for Variant Classification in Rare Disease 2024 v1.2. Collection method: clinical testing. Allele origin: germline. Affected: yes.
Comment: PM2_moderate, PVS1_very-strong, PM3_supporting

Labcorp Genetics (formerly Invitae), Labcorp
Classification: Pathogenic. Last evaluated: 2025-10-01. Review status: criteria provided, single submitter. Criteria: Invitae Variant Classification Sherloc (09022015). Collection method: clinical testing. Allele origin: germline.
Comment: This sequence change affects a donor splice site in intron 8 of the OTOG gene. It is expected to disrupt RNA splicing. Variants that disrupt the donor or acceptor splice site typically lead to a loss of protein function (PMID: 16199547), and loss-of-function variants in OTOG are known to be pathogenic (PMID: 23122587). This variant is present in population databases (rs757188953, gnomAD 0.004%). Disruption of this splice site has been observed in individual(s) with deafness (internal data). In at least one individual the data is consistent with being in trans (on the opposite chromosome) from a pathogenic variant. ClinVar contains an entry for this variant (Variation ID: 1454855). Algorithms developed to predict the effect of sequence changes on RNA splicing suggest that this variant may disrupt the consensus splice site. For these reasons, this variant has been classified as Pathogenic.

Literature cited by the submitters: PubMed 16199547 (cited by Labcorp Genetics (formerly Invitae), Labcorp); PubMed 23122587 (cited by Labcorp Genetics (formerly Invitae), Labcorp).

NM_001292063.2(OTOG):c.996+1G>T

Gene: OTOG (otogelin; plus strand). Cytogenetic location: 11p15.1.
Variant type: single nucleotide variant.
Coding change: c.996+1G>T on transcript NM_001292063.2 (MANE Select); the canonical splice donor site of the intron after coding-DNA position 996, G replaced by T.
Molecular consequence: splice donor variant.
Genome position (GRCh38, 1-based): chr11:17,558,316, G>T. VCF-style: chr11-17558316-G-T. GRCh37 (hg19) VCF-style: chr11-17579863-G-T.
Other names: c.1032+1G>T (NM_001277269.2).
Identifiers: ClinVar variation 1454855 (VCV001454855.9), dbSNP rs757188953, ClinGen allele CA218495093.
Genomic context (GRCh38, chr11:17,558,316, plus strand): 5'-CCCACAACTTCCTCCCTGCCTCGCCCACCGTGCCTACAGCAGAACCCAGGAACCATGCAG[G>T]TCTGGAGCTTGGGGAGAAACTCCCCTACCCTAGAGCCTGACTTGCTATCCAACTCTTCGA-3'